The following is an entry in ClinVar:

NM_001376.5(DYNC1H1):c.8528G>A (p.Arg2843Lys)

Gene: DYNC1H1 (dynein cytoplasmic 1 heavy chain 1; plus strand). Cytogenetic location: 14q32.31.
Variant type: single nucleotide variant.
Coding change: c.8528G>A on transcript NM_001376.5 (MANE Select); coding-DNA position 8528, G replaced by A.
Protein change: p.Arg2843Lys; replaces arginine 2843 with lysine.
Molecular consequence: missense variant.
Genome position (GRCh38, 1-based): chr14:102,022,771, G>A. VCF-style: chr14-102022771-G-A. GRCh37 (hg19) VCF-style: chr14-102489108-G-A.
Other names: short protein forms R2843K.
Identifiers: ClinVar variation 2054308 (VCV002054308.7), dbSNP rs2048400907, ClinGen allele CA391007034.

ClinVar aggregate classification (germline): Uncertain significance. Review status: criteria provided, multiple submitters, no conflicts (2 of 4 stars). 2 submissions from 2 submitters: Uncertain significance (2). Last evaluated 2025-11-18.

Conditions:
Charcot-Marie-Tooth disease axonal type 2O. Also called: CHARCOT-MARIE-TOOTH NEUROPATHY, AXONAL, TYPE 2O; CHARCOT-MARIE-TOOTH DISEASE, AXONAL, AUTOSOMAL DOMINANT, TYPE 2O; Charcot-Marie-Tooth disease, axonal, type 20; Charcot-Marie-Tooth Neuropathy Type 2O. Identifiers: Orphanet 284232, MedGen C3280220, MONDO:0013644, OMIM 614228.

Submissions (2):

Labcorp Genetics (formerly Invitae), Labcorp
Classification: Uncertain significance for Charcot-Marie-Tooth disease axonal type 2O. Last evaluated: 2025-11-18. Review status: criteria provided, single submitter. Criteria: Invitae Variant Classification Sherloc (09022015). Collection method: clinical testing. Allele origin: germline.
Comment: This sequence change replaces arginine, which is basic and polar, with lysine, which is basic and polar, at codon 2843 of the DYNC1H1 protein (p.Arg2843Lys). This variant is not present in population databases (gnomAD no frequency). This variant has not been reported in the literature in individuals affected with DYNC1H1-related conditions. ClinVar contains an entry for this variant (Variation ID: 2054308). Invitae Evidence Modeling of protein sequence and biophysical properties (such as structural, functional, and spatial information, amino acid conservation, physicochemical variation, residue mobility, and thermodynamic stability) indicates that this missense variant is not expected to disrupt DYNC1H1 protein function with a negative predictive value of 95%. In summary, the available evidence is currently insufficient to determine the role of this variant in disease. Therefore, it has been classified as a Variant of Uncertain Significance.

Revvity Omics, Revvity
Classification: Uncertain significance. Last evaluated: 2022-05-12. Review status: criteria provided, single submitter. Criteria: ACMG Guidelines, 2015. Collection method: clinical testing. Allele origin: germline.